The following is an entry in ClinVar:

NM_000528.4(MAN2B1):c.2731G>A (p.Glu911Lys)

Genes: MAN2B1 (mannosidase alpha class 2B member 1; minus strand), LOC130063648 (ATAC-STARR-seq lymphoblastoid active region 14063; plus strand). Cytogenetic location: 19p13.13.
Variant type: single nucleotide variant.
Coding change: c.2731G>A on transcript NM_000528.4 (MANE Select); coding-DNA position 2731, G replaced by A.
Protein change: p.Glu911Lys; replaces glutamic acid 911 with lysine.
Molecular consequence: missense variant.
Genome position (GRCh38, 1-based): chr19:12,647,532, C>T on the plus strand (G>A on the coding strand, the complement: MAN2B1 is on the minus strand). VCF-style: chr19-12647532-C-T. GRCh37 (hg19) VCF-style: chr19-12758346-C-T.
Other names: c.2728G>A, p.Glu910Lys (NM_001173498.2); short protein forms E910K, E911K.
Identifiers: ClinVar variation 890571 (VCV000890571.7), dbSNP rs139366493, ClinGen allele CA9225933.

ClinVar aggregate classification (germline): Uncertain significance. Review status: criteria provided, multiple submitters, no conflicts (2 of 4 stars). 4 submissions from 4 submitters: Uncertain significance (3). 1 of the submissions does not count toward it. Last evaluated 2026-05-06.

Conditions:
MAN2B1-related disorder. Also called: MAN2B1-related condition.
Deficiency of alpha-mannosidase (MANSA). Also called: LYSOSOMAL ALPHA-D-MANNOSIDASE DEFICIENCY; Alpha-Mannosidosis; Mannosidosis, alpha-, types I and II. Identifiers: Orphanet 61, MedGen C0024748, MONDO:0009561, OMIM 248500.

Allele frequency attached by ClinVar (database versions not stated): gnomAD exomes 0.00012 and 0.00025; ExAC 0.00013; gnomAD 0.00013 and 0.00014; ESP Exome Variant Server 0.00015; TOPMed 0.00017.
gnomAD v4.1: 385 of 1,614,082 alleles (0.024%); highest among the groups gnomAD compares: Non-Finnish European, 0.031%; no homozygotes.

Submissions (4):

PreventionGenetics, part of Exact Sciences
Classification: Uncertain significance for MAN2B1-related condition. Last evaluated: 2026-05-06. Review status: criteria provided, single submitter. Criteria: ACMG Guidelines, 2015. Collection method: clinical testing. Allele origin: germline.
Comment: The MAN2B1 c.2731G>A variant is predicted to result in the amino acid substitution p.Glu911Lys. To our knowledge, this variant has not been reported in the literature. This variant is reported in 0.025% of alleles in individuals of European (Non-Finnish) descent in gnomAD. At this time, the clinical significance of this variant is uncertain due to the absence of conclusive functional and genetic evidence.

Labcorp Genetics (formerly Invitae), Labcorp
Classification: Uncertain significance for Deficiency of alpha-mannosidase. Last evaluated: 2022-08-08. Review status: criteria provided, single submitter. Criteria: Invitae Variant Classification Sherloc (09022015). Collection method: clinical testing. Allele origin: germline.
Comment: This sequence change replaces glutamic acid, which is acidic and polar, with lysine, which is basic and polar, at codon 911 of the MAN2B1 protein (p.Glu911Lys). This variant is present in population databases (rs139366493, gnomAD 0.03%). This variant has not been reported in the literature in individuals affected with MAN2B1-related conditions. ClinVar contains an entry for this variant (Variation ID: 890571). Algorithms developed to predict the effect of missense changes on protein structure and function output the following: SIFT: "Tolerated"; PolyPhen-2: "Benign"; Align-GVGD: "Class C0". The lysine amino acid residue is found in multiple mammalian species, which suggests that this missense change does not adversely affect protein function. In summary, the available evidence is currently insufficient to determine the role of this variant in disease. Therefore, it has been classified as a Variant of Uncertain Significance.

Illumina Laboratory Services, Illumina
Classification: Uncertain significance for Deficiency of alpha-mannosidase. Last evaluated: 2018-02-02. Review status: criteria provided, single submitter. Criteria: ICSL Variant Classification Criteria 13 December 2019. Collection method: clinical testing. Allele origin: germline.

Department of Pathology and Laboratory Medicine, Sinai Health System
Classification: Uncertain significance. Review status: no assertion criteria provided. Collection method: clinical testing. Allele origin: unknown. Affected: yes. Study: The Canadian Open Genetics Repository (COGR). Not counted in ClinVar's aggregate classification.
Comment: The MAN2B1 p.Glu910Lys variant was not identified in the literature nor was it identified in ClinVar. The variant was identified in dbSNP (ID: rs139366493) and LOVD 3.0 (variant effect not shared). The variant was identified in control databases in 34 of 281492 chromosomes at a frequency of 0.0001208 (Genome Aggregation Database March 6, 2019, v2.1.1). The variant was observed in the following populations: European (non-Finnish) in 32 of 127876 chromosomes (freq: 0.00025) and African in 2 of 24920 chromosomes (freq: 0.00008), but was not observed in the Latino, Ashkenazi Jewish, East Asian, European (Finnish), Other, or South Asian populations. The p.Glu910 residue is not conserved in mammals and computational analyses (PolyPhen-2, SIFT, AlignGVGD, BLOSUM, MutationTaster) do not suggest a high likelihood of impact to the protein; however, this information is not predictive enough to rule out pathogenicity. The variant occurs outside of the splicing consensus sequence and in silico or computational prediction software programs (SpliceSiteFinder, MaxEntScan, NNSPLICE, GeneSplicer) do not predict a difference in splicing. In summary, based on the above information the clinical significance of this variant cannot be determined with certainty at this time. This variant is classified as a variant of uncertain significance.